The following is an entry in ClinVar:

NM_022168.4(IFIH1):c.3042C>G (p.Asp1014Glu)

Gene: IFIH1 (interferon induced with helicase C domain 1; minus strand). Cytogenetic location: 2q24.2.
Variant type: single nucleotide variant.
Coding change: c.3042C>G on transcript NM_022168.4 (MANE Select); coding-DNA position 3042, C replaced by G.
Protein change: p.Asp1014Glu; replaces aspartic acid 1014 with glutamic acid.
Molecular consequence: missense variant.
Genome position (GRCh38, 1-based): chr2:162,267,236, G>C on the plus strand (C>G on the coding strand, the complement: IFIH1 is on the minus strand). VCF-style: chr2-162267236-G-C. GRCh37 (hg19) VCF-style: chr2-163123746-G-C.
Other names: short protein forms D1014E.
Identifiers: ClinVar variation 1721003 (VCV001721003.5), dbSNP rs35369989, ClinGen allele CA348988781.

ClinVar aggregate classification (germline): Uncertain significance (1 of 4 stars; one submission).

Conditions:
Aicardi-Goutieres syndrome 7 (AGS7). Identifiers: Orphanet 51, MedGen C3888244, MONDO:0014367, OMIM 615846.
Singleton-Merten syndrome 1 (SGMRT1). Also called: Widened medullary cavities of bone, aortic calcification, abnormal dentition, and muscular weakness; Syndrome of widened medullary cavities of the metacarpals and phalanges, aortic calcification and abnormal dentition. Identifiers: Orphanet 85191, MedGen C4225427, MONDO:0024535, OMIM 182250.

Submission:

Labcorp Genetics (formerly Invitae), Labcorp
Classification: Uncertain significance for Aicardi-Goutieres syndrome 7; Singleton-Merten syndrome 1. Last evaluated: 2022-10-05. Review status: criteria provided, single submitter. Criteria: Invitae Variant Classification Sherloc (09022015). Collection method: clinical testing. Allele origin: germline.
Comment: In summary, the available evidence is currently insufficient to determine the role of this variant in disease. Therefore, it has been classified as a Variant of Uncertain Significance. Algorithms developed to predict the effect of missense changes on protein structure and function (SIFT, PolyPhen-2, Align-GVGD) all suggest that this variant is likely to be tolerated. This variant has not been reported in the literature in individuals affected with IFIH1-related conditions. This variant is not present in population databases (gnomAD no frequency). This sequence change replaces aspartic acid, which is acidic and polar, with glutamic acid, which is acidic and polar, at codon 1014 of the IFIH1 protein (p.Asp1014Glu).